The following is an entry in ClinVar:

NM_000349.3(STAR):c.545G>T (p.Arg182Leu)

Gene: STAR (steroidogenic acute regulatory protein; minus strand). Cytogenetic location: 8p11.23.
Variant type: single nucleotide variant.
Coding change: c.545G>T on transcript NM_000349.3 (MANE Select); coding-DNA position 545, G replaced by T.
Protein change: p.Arg182Leu; replaces arginine 182 with leucine.
Molecular consequence: missense variant.
Genome position (GRCh38, 1-based): chr8:38,146,068, C>A on the plus strand (G>T on the coding strand, the complement: STAR is on the minus strand). VCF-style: chr8-38146068-C-A. GRCh37 (hg19) VCF-style: chr8-38003586-C-A.
Other names: c.545G>T (NM_000349.2); short protein forms R182L.
Identifiers: ClinVar variation 8988 (VCV000008988.3), dbSNP rs104894086, ClinGen allele CA120036.

ClinVar aggregate classification (germline): Pathogenic. Review status: criteria provided, single submitter (1 of 4 stars). 2 submissions from 2 submitters: Pathogenic (1). 1 of the submissions does not count toward it. Last evaluated 2024-10-17.

Conditions:
Congenital lipoid adrenal hyperplasia due to STAR deficency. Also called: ADRENAL HYPERPLASIA I; Cholesterol monooxygenase (side-chain cleaving) deficiency; Lipoid adrenal hyperplasia; Congenital Lipoid Adrenal Hyperplasia. Identifiers: Orphanet 418, Orphanet 90790, MedGen C0342474, MONDO:0008725, OMIM 201710.

Submissions (2):

GeneDx
Classification: Pathogenic. Last evaluated: 2024-10-17. Review status: criteria provided, single submitter. Criteria: GeneDx Variant Classification Process June 2021. Collection method: clinical testing. Allele origin: germline. Affected: yes.
Comment: Published functional studies demonstrate a damaging effect on protein activity (PMID: 8948562); Not observed at significant frequency in large population cohorts (gnomAD); In silico analysis supports that this missense variant has a deleterious effect on protein structure/function; This variant is associated with the following publications: (PMID: 11061515, 26827627, 8948562, 32835366)

OMIM
Classification: Pathogenic for LIPOID CONGENITAL ADRENAL HYPERPLASIA. Last evaluated: 2000-10-01. Review status: no assertion criteria provided. Collection method: literature only. Allele origin: germline. Not counted in ClinVar's aggregate classification.

Literature cited by the submitters: PubMed 8948562 (cited by OMIM); PubMed 11061515 (cited by OMIM).